The following is an entry in ClinVar:

NM_001851.6(COL9A1):c.876+6T>C

Gene: COL9A1 (collagen type IX alpha 1 chain; minus strand). Cytogenetic location: 6q13.
Variant type: single nucleotide variant.
Coding change: c.876+6T>C on transcript NM_001851.6 (MANE Select); 6 bases into the intron after coding-DNA position 876, T replaced by C.
Molecular consequence: intron variant.
Genome position (GRCh38, 1-based): chr6:70,281,384, A>G on the plus strand (T>C on the coding strand, the complement: COL9A1 is on the minus strand). VCF-style: chr6-70281384-A-G. GRCh37 (hg19) VCF-style: chr6-70991087-A-G.
Other names: c.147+6T>C (NM_001377290.1, NM_078485.4, NM_001377289.1); c.876+6T>C (NM_001377291.1).
Identifiers: ClinVar variation 391136 (VCV000391136.17), dbSNP rs73473595, ClinGen allele CA3882631.
Genomic context (GRCh38, chr6:70,281,384, plus strand): 5'-GCCCTGGGAAAAGAATAGGAAAGGGCAGGACTGGGGAACAGAGGTGGCCTGGAGATAGAA[A>G]CTTACGTCGATGCCATCGATGCCTGGAACTCCAGGGGGGCCCGGAGGCCCGGGAGGACCC-3'

ClinVar aggregate classification (germline): Benign/Likely benign. Review status: criteria provided, multiple submitters, no conflicts (2 of 4 stars). 5 submissions from 5 submitters: Benign (4); Likely benign (1). Last evaluated 2026-07-01.

Allele frequency attached by ClinVar (database versions not stated): gnomAD exomes 0.00052 and 0.00113; ExAC 0.00136; 1000 Genomes Project 30x 0.00375; 1000 Genomes Project 0.00379; gnomAD 0.00418 and 0.00444; TOPMed 0.00467; ESP Exome Variant Server 0.00500.
gnomAD v4.1: 1,425 of 1,611,756 alleles (0.088%); highest among the groups gnomAD compares: African/African-American, 1.5%; 13 homozygotes.

Submissions (5):

CeGaT Center for Human Genetics Tuebingen
Classification: Likely benign. Last evaluated: 2026-07-01. Review status: criteria provided, single submitter. Criteria: CeGaT Center For Human Genetics Tuebingen Variant Classification Criteria Version 2. Collection method: clinical testing. Allele origin: germline. Affected: yes. Observed: 1 variant allele.
Comment: COL9A1: BP4, BS1

Women's Health and Genetics/Laboratory Corporation of America, LabCorp
Classification: Benign. Last evaluated: 2026-05-21. Review status: criteria provided, single submitter. Criteria: LabCorp Variant Classification Summary - May 2015. Collection method: clinical testing. Allele origin: germline.
Comment: Variant summary: COL9A1 c.876+6T>C alters a conserved nucleotide located close to a canonical splice site and therefore could affect mRNA splicing, leading to a significantly altered protein sequence. Consensus agreement among computation tools predict no significant impact on normal splicing. However, these predictions have yet to be confirmed by functional studies. The variant allele was found at a frequency of 0.0011 in 250688 control chromosomes, predominantly at a frequency of 0.014 within the African or African-American subpopulation in the gnomAD database, including 2 homozygotes. The observed variant frequency within African or African-American control individuals in the gnomAD database exceeds the estimated maximal expected allele frequency for disease-causing variants in COL9A1. To our knowledge, no occurrence of c.876+6T>C in individuals affected with COL9A1-related conditions and no experimental evidence demonstrating its impact on protein function have been reported. ClinVar contains an entry for this variant (Variation ID: 391136). Based on the evidence outlined above, the variant was classified as benign.

Labcorp Genetics (formerly Invitae), Labcorp
Classification: Benign. Last evaluated: 2026-01-26. Review status: criteria provided, single submitter. Criteria: Invitae Variant Classification Sherloc (09022015). Collection method: clinical testing. Allele origin: germline.

GeneDx
Classification: Benign. Last evaluated: 2019-04-22. Review status: criteria provided, single submitter. Criteria: GeneDx Variant Classification Process June 2021. Collection method: clinical testing. Allele origin: germline. Affected: yes.

Athena Diagnostics
Classification: Benign. Last evaluated: 2018-11-09. Review status: criteria provided, single submitter. Criteria: Athena Diagnostics Criteria. Collection method: clinical testing. Allele origin: germline.